The following is an entry in ClinVar:

ClinVar aggregate classification (germline): Uncertain significance (1 of 4 stars; one submission).

Submission:

CeGaT Center for Human Genetics Tuebingen
Classification: Uncertain significance. Last evaluated: 2024-09-01. Review status: criteria provided, single submitter. Criteria: CeGaT Center For Human Genetics Tuebingen Variant Classification Criteria Version 2. Collection method: clinical testing. Allele origin: germline. Affected: yes. Observed: 1 variant allele.
Comment: SCN8A: PM2, PP2, BP4

NM_001330260.2(SCN8A):c.5701G>A (p.Val1901Ile)

Gene: SCN8A (sodium voltage-gated channel alpha subunit 8; plus strand). Cytogenetic location: 12q13.13.
Variant type: single nucleotide variant.
Coding change: c.5701G>A on transcript NM_001330260.2 (MANE Select); coding-DNA position 5701, G replaced by A.
Protein change: p.Val1901Ile; replaces valine 1901 with isoleucine.
Molecular consequence: missense variant.
Genome position (GRCh38, 1-based): chr12:51,807,187, G>A. VCF-style: chr12-51807187-G-A. GRCh37 (hg19) VCF-style: chr12-52200971-G-A.
Other names: c.5578G>A, p.Val1860Ile (NM_001177984.3, NM_001369788.1); c.5701G>A, p.Val1901Ile (NM_014191.4); short protein forms V1860I, V1901I.
Identifiers: ClinVar variation 3389581 (VCV003389581.14).